The following is an entry in ClinVar:

NM_001931.5(DLAT):c.1168G>A (p.Asp390Asn)

Gene: DLAT (dihydrolipoamide S-acetyltransferase; plus strand). Cytogenetic location: 11q23.1.
Variant type: single nucleotide variant.
Coding change: c.1168G>A on transcript NM_001931.5 (MANE Select); coding-DNA position 1168, G replaced by A.
Protein change: p.Asp390Asn; replaces aspartic acid 390 with asparagine.
Molecular consequence: missense variant. On other transcripts: non-coding transcript variant (1).
Genome position (GRCh38, 1-based): chr11:112,043,504, G>A. VCF-style: chr11-112043504-G-A. GRCh37 (hg19) VCF-style: chr11-111914228-G-A.
Other names: c.1168G>A, p.Asp390Asn (NM_001372031.1, NM_001372033.1, NM_001372035.1); c.1162G>A, p.Asp388Asn (NM_001372032.1); c.1135G>A, p.Asp379Asn (NM_001372034.1); c.1042G>A, p.Asp348Asn (NM_001372036.1); c.1000G>A, p.Asp334Asn (NM_001372037.1); c.889G>A, p.Asp297Asn (NM_001372038.1); c.853G>A, p.Asp285Asn (NM_001372039.1, NM_001372041.1); c.787G>A, p.Asp263Asn (NM_001372040.1); and 1 more; short protein forms D236N, D263N, D379N, D285N, D334N, D297N, D348N, D388N.
Identifiers: ClinVar variation 3840246 (VCV003840246.2).

ClinVar aggregate classification (germline): Uncertain significance. Review status: criteria provided, multiple submitters, no conflicts (2 of 4 stars). 2 submissions from 2 submitters: Uncertain significance (2). Last evaluated 2025-06-22.

Conditions:
Inborn genetic diseases. Identifiers: MedGen C0950123, MeSH D030342.
Pyruvate dehydrogenase E2 deficiency (PDHDD). Also called: Dihydrolipoamide Acetyltransferase (E2) Deficiency; LACTIC ACIDEMIA DUE TO DEFECT OF E2 LIPOYL TRANSACETYLASE OF THE PYRUVATE DEHYDROGENASE COMPLEX. Identifiers: Orphanet 765, Orphanet 79244, MedGen C1855565, MONDO:0009502, OMIM 245348.

gnomAD v4.1: 20 of 1,613,998 alleles (0.0012%); highest among the groups gnomAD compares: Non-Finnish European, 0.0017%; no homozygotes.

Submissions (2):

Labcorp Genetics (formerly Invitae), Labcorp
Classification: Uncertain significance for Pyruvate dehydrogenase E2 deficiency. Last evaluated: 2025-06-22. Review status: criteria provided, single submitter. Criteria: Invitae Variant Classification Sherloc (09022015). Collection method: clinical testing. Allele origin: germline.
Comment: This sequence change replaces aspartic acid, which is acidic and polar, with asparagine, which is neutral and polar, at codon 390 of the DLAT protein (p.Asp390Asn). This variant is present in population databases (rs140603763, gnomAD 0.03%). This variant has not been reported in the literature in individuals affected with DLAT-related conditions. ClinVar contains an entry for this variant (Variation ID: 3840246). Invitae Evidence Modeling of protein sequence and biophysical properties (such as structural, functional, and spatial information, amino acid conservation, physicochemical variation, residue mobility, and thermodynamic stability) indicates that this missense variant is not expected to disrupt DLAT protein function with a negative predictive value of 80%. In summary, the available evidence is currently insufficient to determine the role of this variant in disease. Therefore, it has been classified as a Variant of Uncertain Significance.

Ambry Genetics
Classification: Uncertain significance for Inborn genetic diseases. Last evaluated: 2024-12-29. Review status: criteria provided, single submitter. Criteria: Ambry Variant Classification Scheme 2023. Collection method: clinical testing. Allele origin: germline.